The following is an entry in ClinVar:

ClinVar aggregate classification (germline): Uncertain significance. Review status: criteria provided, multiple submitters, no conflicts (2 of 4 stars). 3 submissions from 3 submitters: Uncertain significance (3). Last evaluated 2022-08-23.

Conditions:
Chédiak-Higashi syndrome (CHS). Also called: Chediak-Higashi Syndrome. Identifiers: Orphanet 167, MedGen C0007965, MONDO:0008963, OMIM 214500.

Allele frequency attached by ClinVar (database versions not stated): ExAC 0.00003; ESP Exome Variant Server 0.00008.
gnomAD v4.1: 90 of 1,591,692 alleles (0.0057%); highest among the groups gnomAD compares: Non-Finnish European, 0.0064%; no homozygotes.

Submissions (3):

Labcorp Genetics (formerly Invitae), Labcorp
Classification: Uncertain significance for Chédiak-Higashi syndrome. Last evaluated: 2022-08-23. Review status: criteria provided, single submitter. Criteria: Invitae Variant Classification Sherloc (09022015). Collection method: clinical testing. Allele origin: germline.
Comment: This sequence change replaces arginine, which is basic and polar, with glutamine, which is neutral and polar, at codon 1718 of the LYST protein (p.Arg1718Gln). This variant is present in population databases (rs369847918, gnomAD 0.009%). This variant has not been reported in the literature in individuals affected with LYST-related conditions. ClinVar contains an entry for this variant (Variation ID: 939130). Algorithms developed to predict the effect of missense changes on protein structure and function output the following: SIFT: "Tolerated"; PolyPhen-2: "Benign"; Align-GVGD: "Class C0". The glutamine amino acid residue is found in multiple mammalian species, which suggests that this missense change does not adversely affect protein function. In summary, the available evidence is currently insufficient to determine the role of this variant in disease. Therefore, it has been classified as a Variant of Uncertain Significance.

Blueprint Genetics
Classification: Uncertain significance. Last evaluated: 2021-11-04. Review status: criteria provided, single submitter. Criteria: ACMG Guidelines, 2015. Collection method: clinical testing. Allele origin: germline.

Revvity Omics, Revvity
Classification: Uncertain significance for Chédiak-Higashi syndrome. Last evaluated: 2019-03-25. Review status: criteria provided, single submitter. Criteria: ACMG Guidelines, 2015. Collection method: clinical testing. Allele origin: germline.

NM_000081.4(LYST):c.5153G>A (p.Arg1718Gln)

Gene: LYST (lysosomal trafficking regulator; minus strand). Cytogenetic location: 1q42.3.
Variant type: single nucleotide variant.
Coding change: c.5153G>A on transcript NM_000081.4 (MANE Select); coding-DNA position 5153, G replaced by A.
Protein change: p.Arg1718Gln; replaces arginine 1718 with glutamine.
Molecular consequence: missense variant.
Genome position (GRCh38, 1-based): chr1:235,780,926, C>T on the plus strand (G>A on the coding strand, the complement: LYST is on the minus strand). VCF-style: chr1-235780926-C-T. GRCh37 (hg19) VCF-style: chr1-235944226-C-T.
Other names: c.5153G>A, p.Arg1718Gln (NM_001301365.1); short protein forms R1718Q.
Identifiers: ClinVar variation 939130 (VCV000939130.10), dbSNP rs369847918, ClinGen allele CA1466686.